The following is an entry in ClinVar:

NM_001042492.3(NF1):c.480-5_482del

Gene: NF1 (neurofibromin 1; plus strand). Cytogenetic location: 17q11.2.
Variant type: Deletion.
Coding change: c.480-5_482del on transcript NM_001042492.3 (MANE Select); 5 bases into the intron before coding-DNA position 480 through coding-DNA position 482, 8 bases deleted (TTTAGGTT; older notation c.480-5_482delTTTAGGTT).
Molecular consequence: splice acceptor variant.
Genome position (GRCh38, 1-based): chr17:31,169,886-31,169,893, TTTAGGTT deleted; deleting any 8 consecutive bases within chr17:31,169,884-31,169,893 gives the same sequence; the c. name uses the placement nearest the transcript's 3' end. VCF-style (leftmost placement, unchanged base first): chr17-31169883-CTTTTTAGG-C. GRCh37 (hg19) VCF-style: chr17-29496901-CTTTTTAGG-C.
Other names: c.480-5_482del (NM_000267.4, NM_001128147.3).
Identifiers: ClinVar variation 2809731 (VCV002809731.3), dbSNP rs2544718591, ClinGen allele CA2739267320.

ClinVar aggregate classification (germline): Likely pathogenic (1 of 4 stars; one submission).

Conditions:
Neurofibromatosis, type 1 (NF1). Also called: NEUROFIBROMATOSIS, TYPE I, SOMATIC; Peripheral type neurofibromatosis; VON RECKLINGHAUSEN DISEASE; Neurofibromatosis, type I. Identifiers: Orphanet 636, MedGen C0027831, MONDO:0018975, OMIM 162200. Disease mechanism: loss of function.

Submission:

Labcorp Genetics (formerly Invitae), Labcorp
Classification: Likely pathogenic for Neurofibromatosis, type 1. Last evaluated: 2022-11-04. Review status: criteria provided, single submitter. Criteria: Invitae Variant Classification Sherloc (09022015). Collection method: clinical testing. Allele origin: germline.
Comment: In summary, the currently available evidence indicates that the variant is pathogenic, but additional data are needed to prove that conclusively. Therefore, this variant has been classified as Likely Pathogenic. Algorithms developed to predict the effect of sequence changes on RNA splicing suggest that this variant may disrupt the consensus splice site. This variant has not been reported in the literature in individuals affected with NF1-related conditions. This variant is not present in population databases (gnomAD no frequency). This variant results in the deletion of part of exon 5 (c.480-5_482del) of the NF1 gene. It is expected to disrupt RNA splicing. Variants that disrupt the donor or acceptor splice site typically lead to a loss of protein function (PMID: 16199547), and loss-of-function variants in NF1 are known to be pathogenic (PMID: 10712197, 23913538).

Literature cited by the submitters: PubMed 16199547; PubMed 10712197; PubMed 23913538.